The following is an entry in ClinVar:

NM_001267550.2(TTN):c.29583AGA[2] (p.Glu9864del)

Gene: TTN (titin; minus strand). Cytogenetic location: 2q31.2.
Variant type: Microsatellite.
Coding change: c.29583AGA[2] on transcript NM_001267550.2 (MANE Select); two copies in a row of the 3-base unit AGA starting at c.29583; the reference has three copies in a row; one copy, 3 bases deleted.
Protein change: p.Glu9864del; deletes glutamic acid 9864.
Molecular consequence: inframe deletion. On other transcripts: intron variant (3).
Genome position (GRCh38, 1-based): chr2:178,705,187-178,705,189, TCT deleted on the plus strand (AGA on the coding strand, the reverse complement: TTN is on the minus strand); deleting any 3 consecutive bases within chr2:178,705,187-178,705,196 gives the same sequence; the position shown is the placement nearest the transcript's 3' end. VCF-style (leftmost placement, unchanged base first): chr2-178705186-CTCT-C. GRCh37 (hg19) VCF-style: chr2-179569913-CTCT-C.
Other names: c.28632AGA[2], p.Glu9547del (NM_001256850.1); c.25851AGA[2], p.Glu8620del (NM_133378.4); c.13282+32887AGA[2] (NM_003319.4); c.13858+32887AGA[2] (NM_133437.4); c.13657+32887AGA[2] (NM_133432.3); c.25857_25859delAGA (NM_133378.4); short protein forms E8620del, E9547del, E9864del.
Identifiers: ClinVar variation 1329056 (VCV001329056.1), dbSNP rs1366904544, ClinGen allele CA430134487.

ClinVar aggregate classification (germline): Uncertain significance (1 of 4 stars; one submission).

Submission:

Women's Health and Genetics/Laboratory Corporation of America, LabCorp
Classification: Uncertain significance. Last evaluated: 2021-11-24. Review status: criteria provided, single submitter. Criteria: LabCorp Variant Classification Summary - May 2015. Collection method: clinical testing. Allele origin: germline.
Comment: Variant summary: TTN c.25857_25859delAGA (p.Glu8620del) results in an in-frame deletion that is predicted to remove one amino acid from the encoded protein. The variant allele was found at a frequency of 4e-06 in 248406 control chromosomes. The available data on variant occurrences in the general population are insufficient to allow any conclusion about variant significance. To our knowledge, no occurrence of c.25857_25859delAGA in individuals affected with Dilated Cardiomyopathy and no experimental evidence demonstrating its impact on protein function have been reported. No clinical diagnostic laboratories have submitted clinical-significance assessments for this variant to ClinVar after 2014. Based on the evidence outlined above, the variant was classified as uncertain significance.